The following is an entry in ClinVar:

NM_001042492.3(NF1):c.3297del (p.Lys1099fs)

Gene: NF1 (neurofibromin 1; plus strand). Cytogenetic location: 17q11.2.
Variant type: Deletion.
Coding change: c.3297del on transcript NM_001042492.3 (MANE Select); coding-DNA position 3297, one base deleted (A; older notation c.3297delA).
Protein change: p.Lys1099fs; shifts the reading frame from lysine 1099.
Molecular consequence: frameshift variant.
Genome position (GRCh38, 1-based): chr17:31,232,172, A deleted; the last of 3 consecutive A bases (chr17:31,232,170-31,232,172); deleting any one gives the same sequence. VCF-style (leftmost placement, unchanged base first): chr17-31232169-CA-C. GRCh37 (hg19) VCF-style: chr17-29559187-CA-C.
Other names: c.3297delA, p.Lys1099Asnfs (NM_000267.4); c.3297delA (NM_001042492.3); short protein forms K1099fs.
Identifiers: ClinVar variation 1180602 (VCV001180602.5), dbSNP rs2151433875, ClinGen allele CA2573054380.

ClinVar aggregate classification (germline): Pathogenic. Review status: criteria provided, multiple submitters, no conflicts (2 of 4 stars). 3 submissions from 3 submitters: Pathogenic (3). Last evaluated 2025-02-16.

Conditions:
Abnormality of the skin. Identifiers: MedGen C5848159, HP:0000951.
Neurofibromatosis, type 1 (NF1). Also called: Peripheral type neurofibromatosis; Neurofibromatosis, type I; VON RECKLINGHAUSEN DISEASE; NEUROFIBROMATOSIS, TYPE I, SOMATIC. Identifiers: Orphanet 636, MedGen C0027831, MONDO:0018975, OMIM 162200. Disease mechanism: loss of function.

Submissions (3):

Laboratory of Genetics, Children's Clinical University Hospital Latvia
Classification: Pathogenic. Last evaluated: 2025-02-16. Review status: criteria provided, single submitter. Criteria: ACMG Guidelines, 2015. Collection method: clinical testing. Allele origin: germline. Affected: yes.

Labcorp Genetics (formerly Invitae), Labcorp
Classification: Pathogenic for Neurofibromatosis, type 1. Last evaluated: 2023-04-17. Review status: criteria provided, single submitter. Criteria: Invitae Variant Classification Sherloc (09022015). Collection method: clinical testing. Allele origin: germline.
Comment: For these reasons, this variant has been classified as Pathogenic. ClinVar contains an entry for this variant (Variation ID: 1180602). This variant has not been reported in the literature in individuals affected with NF1-related conditions. This variant is not present in population databases (gnomAD no frequency). This sequence change creates a premature translational stop signal (p.Lys1099Asnfs*13) in the NF1 gene. It is expected to result in an absent or disrupted protein product. Loss-of-function variants in NF1 are known to be pathogenic (PMID: 10712197, 23913538).

Kariminejad - Najmabadi Pathology & Genetics Center
Classification: Pathogenic for Abnormality of the skin. Last evaluated: 2021-07-10. Review status: criteria provided, single submitter. Criteria: ACMG Guidelines, 2015. Collection method: clinical testing. Allele origin: de novo. Affected: yes.

Literature cited by the submitters: PubMed 10712197 (cited by Labcorp Genetics (formerly Invitae), Labcorp); PubMed 23913538 (cited by Labcorp Genetics (formerly Invitae), Labcorp).